The following is an entry in ClinVar:

ClinVar aggregate classification (germline): Pathogenic (1 of 4 stars; one submission).

Conditions:
Fetal akinesia deformation sequence 1 (FADS1). Also called: Fetal akinesia sequence; Pena-Shokeir syndrome type I. Identifiers: Orphanet 994, MedGen C1276035, MONDO:0100101, OMIM 208150, HP:0001989.
Congenital myasthenic syndrome 10. Also called: Myasthenia, limb-girdle, familial. Identifiers: Orphanet 590, MedGen C1850792, MONDO:0009690, OMIM 254300.

Submission:

Labcorp Genetics (formerly Invitae), Labcorp
Classification: Pathogenic for Congenital myasthenic syndrome 10; Fetal akinesia deformation sequence 1. Last evaluated: 2023-08-28. Review status: criteria provided, single submitter. Criteria: Invitae Variant Classification Sherloc (09022015). Collection method: clinical testing. Allele origin: germline.
Comment: For these reasons, this variant has been classified as Pathogenic. This variant disrupts a region of the DOK7 protein in which other variant(s) (p.Pro486Argfs*15) have been determined to be pathogenic (PMID: 29118959). This suggests that this is a clinically significant region of the protein, and that variants that disrupt it are likely to be disease-causing. This variant has not been reported in the literature in individuals affected with DOK7-related conditions. This variant is not present in population databases (gnomAD no frequency). This sequence change results in a frameshift in the DOK7 gene (p.Thr438Glyfs*86). While this is not anticipated to result in nonsense mediated decay, it is expected to disrupt the last 67 amino acid(s) of the DOK7 protein and extend the protein by 18 additional amino acid residues.

Literature cited by the submitters: PubMed 29118959.

NM_173660.5(DOK7):c.1296_1311dup (p.Thr438fs)

Gene: DOK7 (docking protein 7; plus strand). Cytogenetic location: 4p16.3.
Variant type: Duplication.
Coding change: c.1296_1311dup on transcript NM_173660.5 (MANE Select); coding-DNA positions 1296 to 1311, 16 bases duplicated (GGACTCAGGCGGCCAG).
Protein change: p.Thr438fs; shifts the reading frame from threonine 438.
Molecular consequence: frameshift variant. On other transcripts: 3 prime UTR variant (1).
Genome position (GRCh38, 1-based): chr4:3,493,282-3,493,297, GGACTCAGGCGGCCAG duplicated; duplicating any 16 consecutive bases within chr4:3,493,274-3,493,297 gives the same sequence; the c. name uses the placement nearest the transcript's 3' end. VCF-style (leftmost placement, unchanged base first): chr4-3493273-T-TGCGGCCAGGGACTCAG. GRCh37 (hg19) VCF-style: chr4-3495000-T-TGCGGCCAGGGACTCAG.
Other names: c.*517_*532dup (NM_001164673.2); c.366_381dup, p.Thr128fs (NM_001256896.2); c.1296_1311dup, p.Thr438fs (NM_001301071.2); c.864_879dup, p.Thr294fs (NM_001363811.2); short protein forms T128fs, T294fs, T438fs.
Identifiers: ClinVar variation 2934155 (VCV002934155.3), dbSNP rs778172294, ClinGen allele CA794201010.